The following is an entry in ClinVar:

NM_000127.3(EXT1):c.83_84delinsG (p.Gln27_Phe28insTer)

Gene: EXT1 (exostosin glycosyltransferase 1; minus strand). Cytogenetic location: 8q24.11.
Variant type: Indel.
Coding change: c.83_84delinsG on transcript NM_000127.3 (MANE Select); coding-DNA positions 83 to 84, TT replaced by G.
Protein change: p.Gln27_Phe28insTer.
Molecular consequence: nonsense.
Genome position (GRCh38, 1-based): chr8:118,110,963-118,110,964, AA replaced by C on the plus strand (TT replaced by G on the coding strand, the reverse complement: EXT1 is on the minus strand). VCF-style: chr8-118110963-AA-C. GRCh37 (hg19) VCF-style: chr8-119123202-AA-C.
Identifiers: ClinVar variation 3384677 (VCV003384677.1).

ClinVar aggregate classification (germline): Likely pathogenic (1 of 4 stars; one submission).

Conditions:
Exostoses, multiple, type 1 (EXT1). Also called: EXOSTOSES, MULTIPLE, TYPE I; Hereditary Multiple Osteochondromatosis, Type I. Identifiers: MedGen CN263289, MONDO:0007585, OMIM 133700.

Submission:

Clinical Biomedical Laboratory, Shriners Hospital For Children - Canada
Classification: Likely pathogenic for Exostoses, multiple, type 1. Last evaluated: 2024-01-11. Review status: criteria provided, single submitter. Criteria: ACMG Guidelines, 2015. Collection method: clinical testing. Allele origin: germline. Inheritance: Autosomal dominant inheritance. Affected: yes. Observed: 1 heterozygote.
Comment: This variant is predicted to introduce a premature stop codon that is expected to lead to degradation of the affected mRNA transcript in EXT1 exon1. This variant has not been found in a large study on apparently healthy adults, indicating that it is not a common finding. The variant has not been reported in ClinVar. This specific variant, to the best of our knowledge, has not been reported in the literature. Variants in EXT1 that result in loss of function are an established cause of multiple exostoses (PMID: 11432960, 19810120).

Literature cited by the submitters: PubMed 11432960; PubMed 19810120.